The following is an entry in ClinVar:

NM_001267550.2(TTN):c.28070C>T (p.Thr9357Ile)

Gene: TTN (titin; minus strand). Cytogenetic location: 2q31.2.
Variant type: single nucleotide variant.
Coding change: c.28070C>T on transcript NM_001267550.2 (MANE Select); coding-DNA position 28070, C replaced by T.
Protein change: p.Thr9357Ile; replaces threonine 9357 with isoleucine.
Molecular consequence: missense variant. On other transcripts: intron variant (3).
Genome position (GRCh38, 1-based): chr2:178,711,166, G>A on the plus strand (C>T on the coding strand, the complement: TTN is on the minus strand). VCF-style: chr2-178711166-G-A. GRCh37 (hg19) VCF-style: chr2-179575893-G-A.
Other names: p.T9040I:ACA>ATA; c.13657+26916C>T (NM_133432.3); c.27119C>T, p.Thr9040Ile (NM_001256850.1); c.24338C>T, p.Thr8113Ile (NM_133378.4); c.13282+26916C>T (NM_003319.4); c.13858+26916C>T (NM_133437.4); short protein forms T9357I, T8113I, T9040I.
Identifiers: ClinVar variation 46806 (VCV000046806.30), dbSNP rs144930507, ClinGen allele CA283026.

ClinVar aggregate classification (germline): Conflicting classifications of pathogenicity. Review status: criteria provided, conflicting classifications (1 of 4 stars). 16 submissions from 12 submitters: Uncertain significance (3); Benign (7); Likely benign (6). Last evaluated 2026-02-04.

Conditions:
Dilated cardiomyopathy 1G (CMD1G). Identifiers: Orphanet 154, MedGen C1858763, MONDO:0011400, OMIM 604145.
Autosomal recessive limb-girdle muscular dystrophy type 2J (LGMDR10). Also called: MUSCULAR DYSTROPHY, LIMB-GIRDLE, AUTOSOMAL RECESSIVE 10; Limb-girdle muscular dystrophy, type 2J. Identifiers: Orphanet 140922, MedGen C1837342, MONDO:0012127, OMIM 608807.
Myopathy, myofibrillar, 9, with early respiratory failure (MFM9). Also called: Myopathy, distal, with early respiratory failure, autosomal dominant; Hereditary myopathy with early respiratory failure; MYOPATHY, PROXIMAL, WITH EARLY RESPIRATORY MUSCLE INVOLVEMENT; EDSTROM MYOPATHY. Identifiers: Orphanet 178464, Orphanet 34521, MedGen C1863599, MONDO:0011362, OMIM 603689.
Early-onset myopathy with fatal cardiomyopathy (CMYO5). Also called: CONGENITAL MYOPATHY 5 WITH CARDIOMYOPATHY; Salih Myopathy. Identifiers: Orphanet 289377, MedGen C2673677, MONDO:0012714, OMIM 611705. Disease mechanism: loss of function.
Tibial muscular dystrophy (TMD). Also called: Udd Distal Myopathy – Tibial Muscular Dystrophy; Tibial muscular dystrophy, tardive; UDD MYOPATHY. Identifiers: Orphanet 609, MedGen C1838244, MONDO:0010870, OMIM 600334.

Allele frequency attached by ClinVar (database versions not stated): gnomAD exomes 0.00035 and 0.00016; 1000 Genomes Project 30x 0.00219; ESP Exome Variant Server 0.00142; gnomAD 0.00181 and 0.00194; TOPMed 0.00212; 1000 Genomes Project 0.00240; ExAC 0.00043.
gnomAD v4.1: 517 of 1,613,852 alleles (0.032%); highest among the groups gnomAD compares: African/African-American, 0.6%; 1 homozygote.

Submissions (16):

Labcorp Genetics (formerly Invitae), Labcorp
Classification: Benign for Dilated cardiomyopathy 1G; Autosomal recessive limb-girdle muscular dystrophy type 2J. Last evaluated: 2026-02-04. Review status: criteria provided, single submitter. Criteria: Invitae Variant Classification Sherloc (09022015). Collection method: clinical testing. Allele origin: germline.

Mayo Clinic Laboratories, Mayo Clinic
Classification: Likely benign. Last evaluated: 2025-10-04. Review status: criteria provided, single submitter. Criteria: ACMG Guidelines, 2015. Collection method: clinical testing. Allele origin: germline. Observed: 5 variant alleles.
Comment: BS1

Molecular Diagnostic Laboratory for Inherited Cardiovascular Disease, Montreal Heart Institute
Classification: Benign. Last evaluated: 2025-04-09. Review status: criteria provided, single submitter. Criteria: ACMG Guidelines, 2015. Collection method: clinical testing. Allele origin: germline. Affected: no.

Blueprint Genetics
Classification: Likely benign. Last evaluated: 2024-06-19. Review status: criteria provided, single submitter. Criteria: ACMG Guidelines, 2015. Collection method: clinical testing. Allele origin: germline.

Athena Diagnostics
Classification: Benign. Last evaluated: 2024-04-12. Review status: criteria provided, single submitter. Criteria: Athena Diagnostics Criteria. Collection method: clinical testing. Allele origin: unknown.

ARUP Laboratories, Molecular Genetics and Genomics, ARUP Laboratories
Classification: Likely benign. Last evaluated: 2023-10-16. Review status: criteria provided, single submitter. Criteria: ARUP Molecular Germline Variant Investigation Process 2024. Collection method: clinical testing. Allele origin: germline.

Women's Health and Genetics/Laboratory Corporation of America, LabCorp
Classification: Benign. Last evaluated: 2022-06-16. Review status: criteria provided, single submitter. Criteria: LabCorp Variant Classification Summary - May 2015. Collection method: clinical testing. Allele origin: germline.
Comment: Variant summary: TTN c.24338C>T (p.Thr8113Ile) results in a non-conservative amino acid change in the encoded protein sequence. One of two in-silico tools predict a benign effect of the variant on protein function. The variant allele was found at a frequency of 0.00035 in 248988 control chromosomes, predominantly at a frequency of 0.0054 within the African or African-American subpopulation in the gnomAD database. The observed variant frequency within African or African-American control individuals in the gnomAD database is approximately 14 fold of the estimated maximal expected allele frequency for a pathogenic variant in TTN causing Dilated Cardiomyopathy phenotype (0.00039), strongly suggesting that the variant is a benign polymorphism found primarily in populations of African or African-American origin. Six clinical diagnostic laboratories have submitted clinical-significance assessments for this variant to ClinVar after 2014 without evidence for independent evaluation (benign/likely benign n=5, VUS n=1). Based on the evidence outlined above, the variant was classified as benign.

Illumina Laboratory Services, Illumina
Classification: Benign for Myopathy, myofibrillar, 9, with early respiratory failure. Last evaluated: 2018-01-13. Review status: criteria provided, single submitter. Criteria: ICSL Variant Classification Criteria 13 December 2019. Collection method: clinical testing. Allele origin: germline.
Comment: This variant was observed in the ICSL laboratory as part of a predisposition screen in an ostensibly healthy population. It had not been previously curated by ICSL or reported in the Human Gene Mutation Database (HGMD: prior to June 1st, 2018), and was therefore a candidate for classification through an automated scoring system. Utilizing variant allele frequency, disease prevalence and penetrance estimates, and inheritance mode, an automated score was calculated to assess if this variant is too frequent to cause the disease. Based on the score and internal cut-off values, a variant classified as benign is not then subjected to further curation. The score for this variant resulted in a classification of benign for this disease.

Illumina Laboratory Services, Illumina
Classification: Benign for Tibial muscular dystrophy. Last evaluated: 2018-01-13. Review status: criteria provided, single submitter. Criteria: ICSL Variant Classification Criteria 13 December 2019. Collection method: clinical testing. Allele origin: germline.
Comment: the same text as in the submission from Illumina Laboratory Services, Illumina above.

Illumina Laboratory Services, Illumina
Classification: Uncertain significance for Early-onset myopathy with fatal cardiomyopathy. Last evaluated: 2018-01-13. Review status: criteria provided, single submitter. Criteria: ICSL Variant Classification Criteria 13 December 2019. Collection method: clinical testing. Allele origin: germline.

Illumina Laboratory Services, Illumina
Classification: Uncertain significance for Dilated cardiomyopathy 1G. Last evaluated: 2018-01-13. Review status: criteria provided, single submitter. Criteria: ICSL Variant Classification Criteria 13 December 2019. Collection method: clinical testing. Allele origin: germline.

Illumina Laboratory Services, Illumina
Classification: Uncertain significance for Autosomal recessive limb-girdle muscular dystrophy type 2J. Last evaluated: 2018-01-13. Review status: criteria provided, single submitter. Criteria: ICSL Variant Classification Criteria 13 December 2019. Collection method: clinical testing. Allele origin: germline.

Laboratory for Molecular Medicine, Mass General Brigham Personalized Medicine
Classification: Likely benign. Last evaluated: 2016-05-11. Review status: criteria provided, single submitter. Criteria: LMM Criteria. Collection method: clinical testing. Allele origin: germline. Observed: 5 variant alleles.
Comment: p.Thr8113Ile in exon 94 of TTN: This variant is not expected to have clinical si gnificance because it has been identified in 0.5% (51/9796) of African chromosom es by the Exome Aggregation Consortium (ExAC; db SNP dbSNP rs144930507).

Eurofins Ntd Llc (ga)
Classification: Likely benign. Last evaluated: 2015-10-20. Review status: criteria provided, single submitter. Criteria: EGL Classification Definitions 2015. Collection method: clinical testing. Allele origin: germline. Observed: 1 variant allele, 1 heterozygote.

GeneDx
Classification: Benign. Last evaluated: 2014-05-07. Review status: criteria provided, single submitter. Criteria: GeneDx Variant Classification (06012015). Collection method: clinical testing. Allele origin: germline. Affected: yes.
Comment: This variant is considered likely benign or benign based on one or more of the following criteria: it is a conservative change, it occurs at a poorly conserved position in the protein, it is predicted to be benign by multiple in silico algorithms, and/or has population frequency not consistent with disease.

PreventionGenetics, part of Exact Sciences
Classification: Likely benign. Review status: criteria provided, single submitter. Criteria: ACMG Guidelines, 2015. Collection method: clinical testing. Allele origin: germline.